The following is an entry in ClinVar:

NM_015909.4(NBAS):c.758T>G (p.Val253Gly)

Gene: NBAS (NBAS subunit of NRZ tethering complex; minus strand). Cytogenetic location: 2p24.3.
Variant type: single nucleotide variant.
Coding change: c.758T>G on transcript NM_015909.4 (MANE Select); coding-DNA position 758, T replaced by G.
Protein change: p.Val253Gly; replaces valine 253 with glycine.
Molecular consequence: missense variant. On other transcripts: non-coding transcript variant (1).
Genome position (GRCh38, 1-based): chr2:15,511,339, A>C on the plus strand (T>G on the coding strand, the complement: NBAS is on the minus strand). VCF-style: chr2-15511339-A-C. GRCh37 (hg19) VCF-style: chr2-15651463-A-C.
Other names: short protein forms V253G.
Identifiers: ClinVar variation 426506 (VCV000426506.6), dbSNP rs764164808, ClinGen allele CA1536913.
Genomic context (GRCh38, chr2:15,511,339, plus strand): 5'-GCAGAAAGGCCACAGCTAGAAGCTTTTGACATGCCTACTTCAGCAGTTTCACATCCACCA[A>C]CAAGTAAAAGTCTAAAAAGGAGAAAATTTTTAAAAATCGATAAATTGCAAATATAAATAA-3'
Protein context (NP_056993.2, residues 243-263): IYHPGHRLLL[Val253Gly]GGCETAEVGM

ClinVar aggregate classification (germline): Conflicting classifications of pathogenicity. Review status: criteria provided, conflicting classifications (1 of 4 stars). 2 submissions from 2 submitters: Likely pathogenic (1); Uncertain significance (1). Last evaluated 2023-03-09.

Allele frequency attached by ClinVar (database versions not stated): ExAC 0.00001; gnomAD exomes 0.00001 and 0.00002; gnomAD 0.00002 and 0.00003; TOPMed 0.00004.
gnomAD v4.1: 31 of 1,613,942 alleles (0.0019%); highest among the groups gnomAD compares: Non-Finnish European, 0.0025%; no homozygotes.

Submissions (2):

GeneDx
Classification: Likely pathogenic. Last evaluated: 2023-03-09. Review status: criteria provided, single submitter. Criteria: GeneDx Variant Classification Process June 2021. Collection method: clinical testing. Allele origin: germline. Affected: yes.
Comment: Observed with a likely pathogenic variant on the opposite allele (in trans) in a patient with acute liver failure after febrile illness and failure to thrive (Cardenas et al., 2017); Not observed at significant frequency in large population cohorts (gnomAD); In silico analysis supports that this missense variant has a deleterious effect on protein structure/function; This variant is associated with the following publications: (PMID: 28410752)

Labcorp Genetics (formerly Invitae), Labcorp
Classification: Uncertain significance. Last evaluated: 2022-07-12. Review status: criteria provided, single submitter. Criteria: Invitae Variant Classification Sherloc (09022015). Collection method: clinical testing. Allele origin: germline.
Comment: In summary, the available evidence is currently insufficient to determine the role of this variant in disease. Therefore, it has been classified as a Variant of Uncertain Significance. Algorithms developed to predict the effect of missense changes on protein structure and function (SIFT, PolyPhen-2, Align-GVGD) all suggest that this variant is likely to be disruptive. ClinVar contains an entry for this variant (Variation ID: 426506). This variant has not been reported in the literature in individuals affected with NBAS-related conditions. This variant is present in population databases (rs764164808, gnomAD 0.002%). This sequence change replaces valine, which is neutral and non-polar, with glycine, which is neutral and non-polar, at codon 253 of the NBAS protein (p.Val253Gly).